The following is an entry in ClinVar:

NM_002317.7(LOX):c.1076T>C (p.Ile359Thr)

Genes: LOX (lysyl oxidase; minus strand), SRFBP1 (serum response factor binding protein 1; plus strand). Cytogenetic location: 5q23.1.
Variant type: single nucleotide variant.
Coding change: c.1076T>C on transcript NM_002317.7 (MANE Select); coding-DNA position 1076, T replaced by C.
Protein change: p.Ile359Thr; replaces isoleucine 359 with threonine.
Molecular consequence: missense variant.
Genome position (GRCh38, 1-based): chr5:122,070,549, A>G on the plus strand (T>C on the coding strand, the complement: LOX is on the minus strand). VCF-style: chr5-122070549-A-G. GRCh37 (hg19) VCF-style: chr5-121406244-A-G.
Other names: c.386T>C, p.Ile129Thr (NM_001178102.2); c.185T>C, p.Ile62Thr (NM_001317073.1); short protein forms I129T, I62T, I359T.
Identifiers: ClinVar variation 2985962 (VCV002985962.3), dbSNP rs1754419594, ClinGen allele CA360880524.
Genomic context (GRCh38, chr5:122,070,549, plus strand): 5'-TTTACCTTTAGGATATAGTTTCCAGGTTTTACATCTGTAATATCAATCCACTGGCAGTCT[A>G]TGTCTGCACCATAGGTATCATAACAGCCAGGACTCAATCCCTAAGATAAACAAAATAAAA-3'
Protein context (NP_002308.2, residues 349-369): PGCYDTYGAD[Ile359Thr]DCQWIDITDV

ClinVar aggregate classification (germline): Uncertain significance (1 of 4 stars; one submission).

Allele frequency attached by ClinVar (database versions not stated): TOPMed below 0.00001; gnomAD exomes below 0.00001.
gnomAD v4.1: 1 of 1,609,528 alleles (0.000062%); highest among the groups gnomAD compares: Middle Eastern, 0.017%; no homozygotes.

Submission:

Labcorp Genetics (formerly Invitae), Labcorp
Classification: Uncertain significance. Last evaluated: 2025-02-04. Review status: criteria provided, single submitter. Criteria: Invitae Variant Classification Sherloc (09022015). Collection method: clinical testing. Allele origin: germline.
Comment: This sequence change replaces isoleucine, which is neutral and non-polar, with threonine, which is neutral and polar, at codon 359 of the LOX protein (p.Ile359Thr). This variant is not present in population databases (gnomAD no frequency). This variant has not been reported in the literature in individuals affected with LOX-related conditions. ClinVar contains an entry for this variant (Variation ID: 2985962). Invitae Evidence Modeling of protein sequence and biophysical properties (such as structural, functional, and spatial information, amino acid conservation, physicochemical variation, residue mobility, and thermodynamic stability) indicates that this missense variant is expected to disrupt LOX protein function with a positive predictive value of 95%. In summary, the available evidence is currently insufficient to determine the role of this variant in disease. Therefore, it has been classified as a Variant of Uncertain Significance.